The following is an entry in ClinVar:

NM_001042492.3(NF1):c.6647G>A (p.Cys2216Tyr)

Gene: NF1 (neurofibromin 1; plus strand). Cytogenetic location: 17q11.2.
Variant type: single nucleotide variant.
Coding change: c.6647G>A on transcript NM_001042492.3 (MANE Select); coding-DNA position 6647, G replaced by A.
Protein change: p.Cys2216Tyr; replaces cysteine 2216 with tyrosine.
Molecular consequence: missense variant.
Genome position (GRCh38, 1-based): chr17:31,337,823, G>A. VCF-style: chr17-31337823-G-A. GRCh37 (hg19) VCF-style: chr17-29664841-G-A.
Other names: c.6584G>A, p.Cys2195Tyr (NM_000267.4); short protein forms C2195Y, C2216Y.
Identifiers: ClinVar variation 2452315 (VCV002452315.2), dbSNP rs1567617669, ClinGen allele CA399013674.

ClinVar aggregate classification (germline): Uncertain significance (1 of 4 stars; one submission).

Conditions:
Hereditary cancer-predisposing syndrome. Also called: Neoplastic Syndromes, Hereditary; Tumor predisposition; Hereditary neoplastic syndrome; Hereditary Cancer Syndrome. Identifiers: Orphanet 140162, MedGen C0027672, MeSH D009386, MONDO:0015356.
Cardiovascular phenotype. Identifiers: MedGen CN230736.

Submission:

Ambry Genetics
Classification: Uncertain significance for Cardiovascular phenotype; Hereditary cancer-predisposing syndrome. Last evaluated: 2023-02-15. Review status: criteria provided, single submitter. Criteria: Ambry Variant Classification Scheme 2023. Collection method: clinical testing. Allele origin: germline.
Comment: The p.C2195Y variant (also known as c.6584G>A), located in coding exon 43 of the NF1 gene, results from a G to A substitution at nucleotide position 6584. The cysteine at codon 2195 is replaced by tyrosine, an amino acid with highly dissimilar properties. This amino acid position is conserved. In addition, this alteration is predicted to be deleterious by in silico analysis. Since supporting evidence is limited at this time, the clinical significance of this alteration remains unclear.